The following is an entry in ClinVar:

NC_000001.10:g.(?_93306098)_(93307422_?)dup

Genes: DIPK1A (divergent protein kinase domain 1A; minus strand), RPL5 (ribosomal protein L5; plus strand). Cytogenetic location: 1p22.1.
Variant type: Duplication.
Identifiers: ClinVar variation 1027355 (VCV001027355.11).

ClinVar aggregate classification (germline): Uncertain significance (1 of 4 stars; one submission).

Conditions:
Diamond-Blackfan anemia. Also called: Aase syndrome; Blackfan Diamond syndrome; Aregenerative anemia chronic congenital; Red cell aplasia, pure hereditary; Congenital hypoplastic anemia. Identifiers: Orphanet 124, MedGen C1260899, MeSH D029503, MONDO:0015253, HP:0004810.

Submission:

Labcorp Genetics (formerly Invitae), Labcorp
Classification: Uncertain significance for Diamond-Blackfan anemia. Last evaluated: 2023-05-16. Review status: criteria provided, single submitter. Criteria: Invitae Variant Classification Sherloc (09022015). Collection method: clinical testing. Allele origin: germline.
Comment: In summary, the available evidence is currently insufficient to determine the role of this variant in disease. Therefore, it has been classified as a Variant of Uncertain Significance. This variant has not been reported in the literature in individuals affected with RPL5-related conditions. This variant results in a copy number gain of the genomic region encompassing exon(s) 7-8 of the RPL5 gene. This region includes the termination codon of the gene. This copy number gain extends beyond the assayed region for this gene and therefore may encompass additional genes. As the precise location of this event is unknown, it may be in tandem or it may be located elsewhere in the genome.